The following is an entry in ClinVar:

NM_002878.4(RAD51D):c.817A>T (p.Ser273Cys)

Genes: RAD51D (RAD51 paralog D; minus strand), RAD51L3-RFFL (RAD51L3-RFFL readthrough; minus strand). Cytogenetic location: 17q12.
Variant type: single nucleotide variant.
Coding change: c.817A>T on transcript NM_002878.4 (MANE Select); coding-DNA position 817, A replaced by T.
Protein change: p.Ser273Cys; replaces serine 273 with cysteine.
Molecular consequence: missense variant. On other transcripts: non-coding transcript variant (3).
Genome position (GRCh38, 1-based): chr17:35,101,287, T>A on the plus strand (A>T on the coding strand, the complement: RAD51D is on the minus strand). VCF-style: chr17-35101287-T-A. GRCh37 (hg19) VCF-style: chr17-33428306-T-A.
Other names: c.877A>T, p.Ser293Cys (NM_001142571.2); c.481A>T, p.Ser161Cys (NM_133629.3); short protein forms S273C, S161C, S293C.
Identifiers: ClinVar variation 233393 (VCV000233393.14), dbSNP rs876660376, ClinGen allele CA10580444.
Genomic context (GRCh38, chr17:35,101,287, plus strand): 5'-CCATGCGCCGGCCGCCTGATGCTCCTGCTCCCTCGATGGTGTCCAGGAGAATCCGAGTGC[T>A]GGGCACAAAGCTCCAGGAGCGTCCGAGGGCAGGTTTGAGCCTCCCGCTGTCCCTGTCTCG-3'
Protein context (NP_002869.3, residues 263-283): ALGRSWSFVP[Ser273Cys]TRILLDTIEG

ClinVar aggregate classification (germline): Uncertain significance. Review status: criteria provided, multiple submitters, no conflicts (2 of 4 stars). 3 submissions from 3 submitters: Uncertain significance (3). Last evaluated 2023-07-12.

Conditions:
Hereditary cancer-predisposing syndrome. Also called: Neoplastic Syndromes, Hereditary; Tumor predisposition; Hereditary Cancer Syndrome; Hereditary neoplastic syndrome. Identifiers: Orphanet 140162, MedGen C0027672, MeSH D009386, MONDO:0015356.
Breast-ovarian cancer, familial, susceptibility to, 4. Identifiers: Orphanet 145, MedGen C3280345, MONDO:0013669, OMIM 614291.

Submissions (3):

Ambry Genetics
Classification: Uncertain significance for Hereditary cancer-predisposing syndrome. Last evaluated: 2023-07-12. Review status: criteria provided, single submitter. Criteria: Ambry Variant Classification Scheme 2023. Collection method: clinical testing. Allele origin: germline.
Comment: The p.S273C variant (also known as c.817A>T), located in coding exon 9 of the RAD51D gene, results from an A to T substitution at nucleotide position 817. The serine at codon 273 is replaced by cysteine, an amino acid with dissimilar properties. This amino acid position is not well conserved in available vertebrate species. In addition, the in silico prediction for this alteration is inconclusive. Since supporting evidence is limited at this time, the clinical significance of this alteration remains unclear.

GeneDx
Classification: Uncertain significance. Last evaluated: 2021-03-09. Review status: criteria provided, single submitter. Criteria: GeneDx Variant Classification Process June 2021. Collection method: clinical testing. Allele origin: germline. Affected: yes.
Comment: Not observed in large population cohorts (Lek 2016); In silico analysis supports that this missense variant has a deleterious effect on protein structure/function; Has not been previously published as pathogenic or benign to our knowledge

Labcorp Genetics (formerly Invitae), Labcorp
Classification: Uncertain significance for Breast-ovarian cancer, familial, susceptibility to, 4. Last evaluated: 2019-09-09. Review status: criteria provided, single submitter. Criteria: Invitae Variant Classification Sherloc (09022015). Collection method: clinical testing. Allele origin: germline.
Comment: This variant is not present in population databases (ExAC no frequency). This variant has not been reported in the literature in individuals with RAD51D-related conditions. ClinVar contains an entry for this variant (Variation ID: 233393). This sequence change replaces serine with cysteine at codon 273 of the RAD51D protein (p.Ser273Cys). The serine residue is moderately conserved and there is a moderate physicochemical difference between serine and cysteine. In summary, the available evidence is currently insufficient to determine the role of this variant in disease. Therefore, it has been classified as a Variant of Uncertain Significance. Algorithms developed to predict the effect of missense changes on protein structure and function are either unavailable or do not agree on the potential impact of this missense change (SIFT: "Deleterious"; PolyPhen-2: "Probably Damaging"; Align-GVGD: "Class C15").